The following is an entry in ClinVar:

NC_000002.12:g.121530925G>C

Genes: CLASP1 (cytoplasmic linker associated protein 1; minus strand), CLASP1-AS1 (CLASP1 antisense RNA 1; plus strand), RNU4ATAC (RNA, U4atac small nuclear; plus strand). Cytogenetic location: 2q14.2.
Variant type: single nucleotide variant.
Molecular consequence: intron variant (on NM_001395891.1).
Genome position: GRCh38 VCF-style: chr2-121530925-G-C. GRCh37 (hg19) VCF-style: chr2-122288501-G-C.
Other names: c.196-600C>G (NM_001378003.1, NM_001395891.1, NM_001378004.1 and 5 more transcripts).
Identifiers: ClinVar variation 1381605 (VCV001381605.5), dbSNP rs1032667950, ClinGen allele CA54810850.

ClinVar aggregate classification (germline): Conflicting classifications of pathogenicity. Review status: criteria provided, conflicting classifications (1 of 4 stars). 3 submissions from 3 submitters: Likely pathogenic (2); Uncertain significance (1). Last evaluated 2025-11-24.

Conditions:
Autosomal recessive RNU4ATAC-related disorders.
RNU4ATAC-related disorder. Also called: RNU4ATAC-related condition.

gnomAD v4.1: 17 of 699,948 alleles (0.0024%); highest among the groups gnomAD compares: Middle Eastern, 0.036%; no homozygotes.

Submissions (3):

Variantyx, Inc.
Classification: Likely pathogenic for Autosomal recessive RNU4ATAC-related disorders. Last evaluated: 2025-11-24. Review status: criteria provided, single submitter. Criteria: Variantyx Assertion Criteria 2022. Collection method: clinical testing. Allele origin: germline. Inheritance: Autosomal recessive inheritance. Affected: yes.
Comment: This is a variant in the non-protein-coding RNU4ATAC gene (OMIM: 601428). Pathogenic variants in this gene have been associated with autosomal recessive RNU4ATAC-related disorders. The clinical symptoms reported in this fetus are highly specific for autosomal recessive RNU4ATAC-related disorders, which have a limited genetic etiology (PMID: 36795902) (PP4). This variant lies within a known hotspot for pathogenic variants or a well-established critical functional domain of the RNU4ATAC non-coding RNA (PMID: 32628740, 26522830) (PM1_Strong). This variant has a 0.0070% maximum allele frequency in non-founder control populations (PM2). Based on the current evidence, this variant is classified as likely pathogenic for autosomal recessive RNU4ATAC-related disorders.

Blueprint Genetics
Classification: Likely pathogenic for RNU4ATAC-related disorders. Last evaluated: 2023-06-07. Review status: criteria provided, single submitter. Criteria: ACMG Guidelines, 2015. Collection method: clinical testing. Allele origin: germline. Affected: yes. Observed: 3 variant alleles.

Labcorp Genetics (formerly Invitae), Labcorp
Classification: Uncertain significance. Last evaluated: 2022-09-07. Review status: criteria provided, single submitter. Criteria: Invitae Variant Classification Sherloc (09022015). Collection method: clinical testing. Allele origin: germline.
Comment: This variant occurs in the RNU4ATAC gene, which encodes an RNA molecule that does not result in a protein product. This variant is present in population databases (no rsID available, gnomAD 0.009%). This variant has not been reported in the literature in individuals affected with RNU4ATAC-related conditions. ClinVar contains an entry for this variant (Variation ID: 1381605). This variant disrupts the n.46G nucleotide in the RNU4ATAC gene. Other variant(s) that disrupt this nucleotide have been determined to be pathogenic (PMID: 25735804, 29265708, 29391254). This suggests that this nucleotide is clinically significant, and that variants that disrupt this position are likely to be disease-causing. In summary, the available evidence is currently insufficient to determine the role of this variant in disease. Therefore, it has been classified as a Variant of Uncertain Significance.

Literature cited by the submitters: PubMed 36795902 (cited by Variantyx, Inc.); PubMed 32628740 (cited by Variantyx, Inc.); PubMed 26522830 (cited by Variantyx, Inc.); PubMed 25735804 (cited by Labcorp Genetics (formerly Invitae), Labcorp); PubMed 29265708 (cited by Labcorp Genetics (formerly Invitae), Labcorp); PubMed 29391254 (cited by Labcorp Genetics (formerly Invitae), Labcorp).